The following is an entry in ClinVar:

NM_000552.5(VWF):c.7564G>T (p.Ala2522Ser)

Gene: VWF (von Willebrand factor; minus strand). Cytogenetic location: 12p13.31.
Variant type: single nucleotide variant.
Coding change: c.7564G>T on transcript NM_000552.5 (MANE Select); coding-DNA position 7564, G replaced by T.
Protein change: p.Ala2522Ser; replaces alanine 2522 with serine.
Molecular consequence: missense variant.
Genome position (GRCh38, 1-based): chr12:5,969,376, C>A on the plus strand (G>T on the coding strand, the complement: VWF is on the minus strand). VCF-style: chr12-5969376-C-A. GRCh37 (hg19) VCF-style: chr12-6078542-C-A.
Other names: short protein forms A2522S.
Identifiers: ClinVar variation 5031731 (VCV005031731.1).

ClinVar aggregate classification (germline): Uncertain significance (1 of 4 stars; one submission).

Conditions:
Inborn genetic diseases. Identifiers: MedGen C0950123, MeSH D030342.

gnomAD v4.1: 1 of 1,614,214 alleles (0.000062%); no homozygotes.

Submission:

Ambry Genetics
Classification: Uncertain significance for Inborn genetic diseases. Last evaluated: 2026-07-29. Review status: criteria provided, single submitter. Criteria: Ambry Variant Classification Scheme 2023. Collection method: clinical testing. Allele origin: germline.
Comment: The c.7564G>T (p.A2522S) alteration is located in exon 45 (coding exon 44) of the VWF gene. This alteration results from a G to T substitution at nucleotide position 7564, causing the alanine (A) at amino acid position 2522 to be replaced by a serine (S). Based on data from gnomAD, the T allele has an overall frequency of <0.001% (1/251274) total alleles studied. The highest observed frequency was <0.001% (/) of alleles. Based on insufficient or conflicting evidence, the clinical significance of this alteration remains unclear.